The following is an entry in ClinVar:

ClinVar aggregate classification (germline): Uncertain significance. Review status: criteria provided, multiple submitters, no conflicts (2 of 4 stars). 3 submissions from 3 submitters: Uncertain significance (3). Last evaluated 2025-01-27.

Conditions:
Glaucoma 3A. Also called: Glaucoma 3, primary congenital, A. Identifiers: Orphanet 98976, Orphanet 98977, MedGen C1856439, MONDO:0009277, OMIM 231300.

Allele frequency attached by ClinVar (database versions not stated): gnomAD 0.00001; gnomAD exomes 0.00004; ExAC 0.00007; 1000 Genomes Project 30x 0.00016; 1000 Genomes Project 0.00020.
gnomAD v4.1: 36 of 1,613,544 alleles (0.0022%); highest among the groups gnomAD compares: East Asian, 0.078%; no homozygotes.

Submissions (3):

Women's Health and Genetics/Laboratory Corporation of America, LabCorp
Classification: Uncertain significance. Last evaluated: 2025-01-27. Review status: criteria provided, single submitter. Criteria: LabCorp Variant Classification Summary - May 2015. Collection method: clinical testing. Allele origin: germline.
Comment: Variant summary: CYP1B1 c.1290C>G (p.Asp430Glu) results in a conservative amino acid change in the encoded protein sequence. Four of five in-silico tools predict a damaging effect of the variant on protein function. The variant allele was found at a frequency of 4.4e-05 in 251378 control chromosomes (gnomAD). This frequency is not significantly higher than estimated for a pathogenic variant in CYP1B1 causing Primary Congenital Glaucoma (4.4e-05 vs 0.0043), allowing no conclusion about variant significance. c.1290C>G has been reported in the literature in individuals affected with Primary Congenital Glaucoma (Fuse_2010, Fuse_2024). These reports do not provide unequivocal conclusions about association of the variant with Primary Congenital Glaucoma. To our knowledge, no experimental evidence demonstrating an impact on protein function has been reported. The following publications have been ascertained in the context of this evaluation (PMID: 20151268, 39158757). ClinVar contains an entry for this variant (Variation ID: 196208). Based on the evidence outlined above, the variant was classified as uncertain significance.

Soonchunhyang University Bucheon Hospital, Soonchunhyang University Medical Center
Classification: Uncertain significance for Glaucoma 3A. Last evaluated: 2016-03-18. Review status: criteria provided, single submitter. Criteria: ACMG Guidelines, 2015. Collection method: reference population. Allele origin: germline. Observed: 1 variant allele.

Eurofins Ntd Llc (ga)
Classification: Uncertain significance. Last evaluated: 2014-06-09. Review status: criteria provided, single submitter. Criteria: EGL Classification Definitions 2015. Collection method: clinical testing. Allele origin: germline. Observed: 1 variant allele, 1 heterozygote.

Literature cited by the submitters: PubMed 20151268 (cited by Women's Health and Genetics/Laboratory Corporation of America, LabCorp and Soonchunhyang University Bucheon Hospital, Soonchunhyang University Medical Center); PubMed 39158757 (cited by Women's Health and Genetics/Laboratory Corporation of America, LabCorp).

NM_000104.4(CYP1B1):c.1290C>G (p.Asp430Glu)

Genes: CYP1B1 (cytochrome P450 family 1 subfamily B member 1; minus strand), LOC128772254 (melanoma risk locus-associated MPRA allelic enhancer 2:38298139; plus strand). Cytogenetic location: 2p22.2.
Variant type: single nucleotide variant.
Coding change: c.1290C>G on transcript NM_000104.4 (MANE Select); coding-DNA position 1290, C replaced by G.
Protein change: p.Asp430Glu; replaces aspartic acid 430 with glutamic acid.
Molecular consequence: missense variant.
Genome position (GRCh38, 1-based): chr2:38,071,064, G>C on the plus strand (C>G on the coding strand, the complement: CYP1B1 is on the minus strand). VCF-style: chr2-38071064-G-C. GRCh37 (hg19) VCF-style: chr2-38298207-G-C.
Other names: short protein forms D430E.
Identifiers: ClinVar variation 196208 (VCV000196208.7), dbSNP rs201181935, ClinGen allele CA243092.